The following is an entry in ClinVar:

NM_000282.4(PCCA):c.1969G>A (p.Asp657Asn)

Gene: PCCA (propionyl-CoA carboxylase subunit alpha; plus strand). Cytogenetic location: 13q32.3.
Variant type: single nucleotide variant.
Coding change: c.1969G>A on transcript NM_000282.4 (MANE Select); coding-DNA position 1969, G replaced by A.
Protein change: p.Asp657Asn; replaces aspartic acid 657 with asparagine.
Molecular consequence: missense variant. On other transcripts: non-coding transcript variant (4), intron variant (2).
Genome position (GRCh38, 1-based): chr13:100,515,496, G>A. VCF-style: chr13-100515496-G-A. GRCh37 (hg19) VCF-style: chr13-101167750-G-A.
Other names: c.1891G>A, p.Asp631Asn (NM_001127692.3); c.1915G>A, p.Asp639Asn (NM_001352605.2); c.1825G>A, p.Asp609Asn (NM_001352606.2); c.1747G>A, p.Asp583Asn (NM_001352608.2); c.1024G>A, p.Asp342Asn (NM_001352610.2); c.970G>A, p.Asp324Asn (NM_001352611.2); c.880G>A, p.Asp294Asn (NM_001352612.2); c.1900-12179G>A (NM_001178004.2); and 1 more; short protein forms D294N, D583N, D609N, D631N, D342N, D657N, D324N, D639N.
Identifiers: ClinVar variation 2201567 (VCV002201567.1), dbSNP rs763419434, ClinGen allele CA7033855.

ClinVar aggregate classification (germline): Uncertain significance (1 of 4 stars; one submission).

Conditions:
Propionic acidemia (PROP). Also called: GLYCINEMIA, KETOTIC; HYPERGLYCINEMIA WITH KETOACIDOSIS AND LEUKOPENIA; KETOTIC HYPERGLYCINEMIA. Identifiers: Orphanet 35, MedGen C0268579, MONDO:0011628, OMIM 606054, HP:0003571.

Allele frequency attached by ClinVar (database versions not stated): ExAC 0.00001; gnomAD 0.00001; gnomAD exomes 0.00001; TOPMed 0.00001.

Submission:

Labcorp Genetics (formerly Invitae), Labcorp
Classification: Uncertain significance for Propionic acidemia. Last evaluated: 2022-07-22. Review status: criteria provided, single submitter. Criteria: Invitae Variant Classification Sherloc (09022015). Collection method: clinical testing. Allele origin: germline.
Comment: This sequence change replaces aspartic acid, which is acidic and polar, with asparagine, which is neutral and polar, at codon 657 of the PCCA protein (p.Asp657Asn). This variant is present in population databases (rs763419434, gnomAD 0.003%). This variant has not been reported in the literature in individuals affected with PCCA-related conditions. Algorithms developed to predict the effect of missense changes on protein structure and function are either unavailable or do not agree on the potential impact of this missense change (SIFT: "Deleterious"; PolyPhen-2: "Possibly Damaging"; Align-GVGD: "Class C15"). In summary, the available evidence is currently insufficient to determine the role of this variant in disease. Therefore, it has been classified as a Variant of Uncertain Significance.